The following is an entry in ClinVar:

NM_005618.4(DLL1):c.619C>A (p.Arg207Ser)

Gene: DLL1 (delta like canonical Notch ligand 1; minus strand). Cytogenetic location: 6q27.
Variant type: single nucleotide variant.
Coding change: c.619C>A on transcript NM_005618.4 (MANE Select); coding-DNA position 619, C replaced by A.
Protein change: p.Arg207Ser; replaces arginine 207 with serine.
Molecular consequence: missense variant.
Genome position (GRCh38, 1-based): chr6:170,288,290, G>T on the plus strand (C>A on the coding strand, the complement: DLL1 is on the minus strand). VCF-style: chr6-170288290-G-T. GRCh37 (hg19) VCF-style: chr6-170597378-G-T.
Other names: c.619C>A (NM_005618.3); short protein forms R207S.
Identifiers: ClinVar variation 2804449 (VCV002804449.4), dbSNP rs761643780, ClinGen allele CA4107101.

ClinVar aggregate classification (germline): Uncertain significance. Review status: criteria provided, multiple submitters, no conflicts (2 of 4 stars). 2 submissions from 2 submitters: Uncertain significance (2). Last evaluated 2025-05-13.

Conditions:
Inborn genetic diseases. Identifiers: MedGen C0950123, MeSH D030342.

Submissions (2):

Labcorp Genetics (formerly Invitae), Labcorp
Classification: Uncertain significance. Last evaluated: 2025-05-13. Review status: criteria provided, single submitter. Criteria: Invitae Variant Classification Sherloc (09022015). Collection method: clinical testing. Allele origin: germline.
Comment: This sequence change replaces arginine, which is basic and polar, with serine, which is neutral and polar, at codon 207 of the DLL1 protein (p.Arg207Ser). This variant is present in population databases (rs761643780, gnomAD 0.009%). This variant has not been reported in the literature in individuals affected with DLL1-related conditions. ClinVar contains an entry for this variant (Variation ID: 2804449). An algorithm developed to predict the effect of missense changes on protein structure and function (PolyPhen-2) suggests that this variant is likely to be disruptive. In summary, the available evidence is currently insufficient to determine the role of this variant in disease. Therefore, it has been classified as a Variant of Uncertain Significance.

Ambry Genetics
Classification: Uncertain significance for Inborn genetic diseases. Last evaluated: 2024-11-14. Review status: criteria provided, single submitter. Criteria: Ambry Variant Classification Scheme 2023. Collection method: clinical testing. Allele origin: germline.